The following is an entry in ClinVar:

NM_006206.6(PDGFRA):c.865G>A (p.Glu289Lys)

Gene: PDGFRA (platelet derived growth factor receptor alpha; plus strand). Cytogenetic location: 4q12.
Variant type: single nucleotide variant.
Coding change: c.865G>A on transcript NM_006206.6 (MANE Select); coding-DNA position 865, G replaced by A.
Protein change: p.Glu289Lys; replaces glutamic acid 289 with lysine.
Molecular consequence: missense variant.
Genome position (GRCh38, 1-based): chr4:54,267,394, G>A. VCF-style: chr4-54267394-G-A. GRCh37 (hg19) VCF-style: chr4-55133561-G-A.
Other names: c.865G>A, p.Glu289Lys (NM_001347827.2, NM_001347829.2); c.940G>A, p.Glu314Lys (NM_001347828.2); c.904G>A, p.Glu302Lys (NM_001347830.2); short protein forms E289K, E302K, E314K.
Identifiers: ClinVar variation 528597 (VCV000528597.17), dbSNP rs958381664, ClinGen allele CA96851943.

ClinVar aggregate classification (germline): Uncertain significance. Review status: criteria provided, multiple submitters, no conflicts (2 of 4 stars). 2 submissions from 2 submitters: Uncertain significance (2). Last evaluated 2026-01-19.

Conditions:
Gastrointestinal stromal tumor. Also called: Gastrointestinal stroma tumor; Gastrointestinal stromal tumor, somatic. Identifiers: Orphanet 44890, MedGen C0238198, MeSH D046152, MONDO:0011719, OMIM 606764, HP:0100723.
Hereditary cancer-predisposing syndrome. Also called: Tumor predisposition; Hereditary neoplastic syndrome; Hereditary Cancer Syndrome; Neoplastic Syndromes, Hereditary. Identifiers: Orphanet 140162, MedGen C0027672, MeSH D009386, MONDO:0015356.

Allele frequency attached by ClinVar (database versions not stated): gnomAD exomes below 0.00001 and 0.00001; TOPMed below 0.00001; gnomAD 0.00001.
gnomAD v4.1: 15 of 1,614,038 alleles (0.00093%); highest among the groups gnomAD compares: Admixed American, 0.0033%; no homozygotes.

Submissions (2):

Labcorp Genetics (formerly Invitae), Labcorp
Classification: Uncertain significance for Gastrointestinal stromal tumor. Last evaluated: 2026-01-19. Review status: criteria provided, single submitter. Criteria: Invitae Variant Classification Sherloc (09022015). Collection method: clinical testing. Allele origin: germline.
Comment: This sequence change replaces glutamic acid, which is acidic and polar, with lysine, which is basic and polar, at codon 289 of the PDGFRA protein (p.Glu289Lys). This variant is present in population databases (no rsID available, gnomAD 0.004%). This variant has not been reported in the literature in individuals affected with PDGFRA-related conditions. ClinVar contains an entry for this variant (Variation ID: 528597). Invitae Evidence Modeling of protein sequence and biophysical properties (such as structural, functional, and spatial information, amino acid conservation, physicochemical variation, residue mobility, and thermodynamic stability) indicates that this missense variant is not expected to disrupt PDGFRA protein function with a negative predictive value of 80%. In summary, the available evidence is currently insufficient to determine the role of this variant in disease. Therefore, it has been classified as a Variant of Uncertain Significance.

Ambry Genetics
Classification: Uncertain significance for Hereditary cancer-predisposing syndrome. Last evaluated: 2025-03-02. Review status: criteria provided, single submitter. Criteria: Ambry Variant Classification Scheme 2023. Collection method: clinical testing. Allele origin: germline.
Comment: The p.E289K variant (also known as c.865G>A), located in coding exon 5 of the PDGFRA gene, results from a G to A substitution at nucleotide position 865. The glutamic acid at codon 289 is replaced by lysine, an amino acid with similar properties. This amino acid position is well conserved in available vertebrate species. In addition, this alteration is predicted to be tolerated by in silico analysis. Based on the available evidence, the clinical significance of this variant remains unclear.